The following is an entry in ClinVar:

NM_001291415.2(KDM6A):c.683A>G (p.Tyr228Cys)

Gene: KDM6A (lysine demethylase 6A; plus strand). Cytogenetic location: Xp11.3.
Variant type: single nucleotide variant.
Coding change: c.683A>G on transcript NM_001291415.2 (MANE Select); coding-DNA position 683, A replaced by G.
Protein change: p.Tyr228Cys; replaces tyrosine 228 with cysteine.
Molecular consequence: missense variant. On other transcripts: 5 prime UTR variant (1), non-coding transcript variant (1).
Genome position (GRCh38, 1-based): chrX:45,051,737, A>G. VCF-style: chrX-45051737-A-G. GRCh37 (hg19) VCF-style: chrX-44910982-A-G.
Other names: c.683A>G, p.Tyr228Cys (NM_001291416.2, NM_001291417.2, NM_001291418.2 and 9 more transcripts); c.-71A>G (NM_001291421.2); short protein forms Y228C.
Identifiers: ClinVar variation 4538095 (VCV004538095.2).

ClinVar aggregate classification (germline): Uncertain significance (1 of 4 stars; one submission).

Submission:

GeneDx
Classification: Uncertain significance. Last evaluated: 2026-06-23. Review status: criteria provided, single submitter. Criteria: GeneDx Variant Classification Process June 2021. Collection method: clinical testing. Allele origin: germline.
Comment: Not observed at significant frequency in large population cohorts (gnomAD); In silico analysis supports that this missense variant has a deleterious effect on protein structure/function; Has not been previously published as pathogenic or benign to our knowledge